The following is an entry in ClinVar:

ClinVar aggregate classification (germline): Uncertain significance (1 of 4 stars; one submission).

Conditions:
Hereditary cancer-predisposing syndrome. Also called: Tumor predisposition; Neoplastic Syndromes, Hereditary; Hereditary Cancer Syndrome; Hereditary neoplastic syndrome. Identifiers: Orphanet 140162, MedGen C0027672, MeSH D009386, MONDO:0015356.

Submission:

Ambry Genetics
Classification: Uncertain significance for Hereditary cancer-predisposing syndrome. Last evaluated: 2022-01-26. Review status: criteria provided, single submitter. Criteria: Ambry Variant Classification Scheme 2023. Collection method: clinical testing. Allele origin: germline.
Comment: The p.C1045R variant (also known as c.3133T>C), located in coding exon 20 of the ATM gene, results from a T to C substitution at nucleotide position 3133. The cysteine at codon 1045 is replaced by arginine, an amino acid with highly dissimilar properties. This amino acid position is conserved. In addition, this alteration is predicted to be deleterious by in silico analysis. Since supporting evidence is limited at this time, the clinical significance of this alteration remains unclear.

NM_000051.4(ATM):c.3133T>C (p.Cys1045Arg)

Gene: ATM (ATM serine/threonine kinase; plus strand). Cytogenetic location: 11q22.3.
Variant type: single nucleotide variant.
Coding change: c.3133T>C on transcript NM_000051.4 (MANE Select); coding-DNA position 3133, T replaced by C.
Protein change: p.Cys1045Arg; replaces cysteine 1045 with arginine.
Molecular consequence: missense variant.
Genome position (GRCh38, 1-based): chr11:108,272,587, T>C. VCF-style: chr11-108272587-T-C. GRCh37 (hg19) VCF-style: chr11-108143314-T-C.
Other names: c.3133T>C, p.Cys1045Arg (NM_001351834.2); short protein forms C1045R.
Identifiers: ClinVar variation 1727991 (VCV001727991.2), dbSNP rs1565427891, ClinGen allele CA382515288.